The following is an entry in ClinVar:

NM_001126108.2(SLC12A3):c.1795C>T (p.Leu599Phe)

Gene: SLC12A3 (solute carrier family 12 member 3; plus strand). Cytogenetic location: 16q13.
Variant type: single nucleotide variant.
Coding change: c.1795C>T on transcript NM_001126108.2 (MANE Select); coding-DNA position 1795, C replaced by T.
Protein change: p.Leu599Phe; replaces leucine 599 with phenylalanine.
Molecular consequence: missense variant.
Genome position (GRCh38, 1-based): chr16:56,884,174, C>T. VCF-style: chr16-56884174-C-T. GRCh37 (hg19) VCF-style: chr16-56918086-C-T.
Other names: c.1795C>T, p.Leu599Phe (NM_000339.3); c.1792C>T, p.Leu598Phe (NM_001126107.2, NM_001410896.1); c.1795C>T (NM_000339.2); short protein forms L598F, L599F.
Identifiers: ClinVar variation 2038548 (VCV002038548.5), dbSNP rs199883951, ClinGen allele CA8069606.

ClinVar aggregate classification (germline): Uncertain significance. Review status: criteria provided, multiple submitters, no conflicts (2 of 4 stars). 3 submissions from 3 submitters: Uncertain significance (3). Last evaluated 2024-11-11.

Conditions:
Inborn genetic diseases. Identifiers: MedGen C0950123, MeSH D030342.
Familial hypokalemia-hypomagnesemia (GTLMNS). Also called: gitelman syndrome; HYPOMAGNESEMIA-HYPOKALEMIA, PRIMARY RENOTUBULAR, WITH HYPOCALCIURIA; POTASSIUM AND MAGNESIUM DEPLETION. Identifiers: Orphanet 358, MedGen C0268450, MONDO:0009904, OMIM 263800.

Allele frequency attached by ClinVar (database versions not stated): gnomAD 0.00021; ExAC 0.00010; gnomAD exomes 0.00024; TOPMed 0.00017.
gnomAD v4.1: 376 of 1,614,060 alleles (0.023%); highest among the groups gnomAD compares: Non-Finnish European, 0.031%; 1 homozygote.

Submissions (3):

Labcorp Genetics (formerly Invitae), Labcorp
Classification: Uncertain significance. Last evaluated: 2024-11-11. Review status: criteria provided, single submitter. Criteria: Invitae Variant Classification Sherloc (09022015). Collection method: clinical testing. Allele origin: germline.
Comment: This sequence change replaces leucine, which is neutral and non-polar, with phenylalanine, which is neutral and non-polar, at codon 599 of the SLC12A3 protein (p.Leu599Phe). This variant is present in population databases (rs199883951, gnomAD 0.02%). This variant has not been reported in the literature in individuals affected with SLC12A3-related conditions. ClinVar contains an entry for this variant (Variation ID: 2038548). Invitae Evidence Modeling of protein sequence and biophysical properties (such as structural, functional, and spatial information, amino acid conservation, physicochemical variation, residue mobility, and thermodynamic stability) indicates that this missense variant is expected to disrupt SLC12A3 protein function with a positive predictive value of 95%. In summary, the available evidence is currently insufficient to determine the role of this variant in disease. Therefore, it has been classified as a Variant of Uncertain Significance.

Clinical Genomics Laboratory, Stanford Medicine
Classification: Uncertain significance for Familial hypokalemia-hypomagnesemia. Last evaluated: 2023-09-01. Review status: criteria provided, single submitter. Criteria: ACMG Guidelines, 2015. Collection method: clinical testing. Allele origin: germline. Observed: 1 variant allele, 1 heterozygote.

Ambry Genetics
Classification: Uncertain significance for Inborn genetic diseases. Last evaluated: 2023-02-08. Review status: criteria provided, single submitter. Criteria: Ambry Variant Classification Scheme 2023. Collection method: clinical testing. Allele origin: germline.